The following is an entry in ClinVar:

ClinVar aggregate classification (germline): Pathogenic. Review status: criteria provided, multiple submitters, no conflicts (2 of 4 stars). 3 submissions from 3 submitters: Pathogenic (3). Last evaluated 2025-12-05.

Conditions:
Hereditary cancer-predisposing syndrome. Also called: Hereditary Cancer Syndrome; Neoplastic Syndromes, Hereditary; Hereditary neoplastic syndrome; Tumor predisposition. Identifiers: Orphanet 140162, MedGen C0027672, MeSH D009386, MONDO:0015356.
Lynch syndrome 5 (LYNCH5). Also called: Hereditary non-polyposis colorectal cancer, type 5; Colorectal cancer, hereditary nonpolyposis, type 5. Identifiers: Orphanet 144, MedGen C1833477, MONDO:0013710, OMIM 614350. Disease mechanism: loss of function.
Hereditary nonpolyposis colorectal neoplasms. Identifiers: MedGen C0009405, MeSH D003123.

gnomAD v4.1: 1 of 1,614,008 alleles (0.000062%); no homozygotes.

Submissions (3):

Ambry Genetics
Classification: Pathogenic for Hereditary cancer-predisposing syndrome. Last evaluated: 2025-12-05. Review status: criteria provided, single submitter. Criteria: Ambry Variant Classification Scheme 2023. Collection method: clinical testing. Allele origin: germline.
Comment: The p.Q160* pathogenic mutation (also known as c.478C>T), located in coding exon 3 of the MSH6 gene, results from a C to T substitution at nucleotide position 478. This changes the amino acid from a glutamine to a stop codon within coding exon 3. This pathogenic mutation was observed in the homozygous state in two siblings diagnosed with pediatric high grade glioma (Erson-Omay EZ et al. Neuro-oncology 2015 Oct; 17(10):1356-64). This variant is considered to be rare based on population cohorts in the Genome Aggregation Database (gnomAD). In addition to the clinical data presented in the literature, this alteration is expected to result in loss of function by premature protein truncation or nonsense-mediated mRNA decay. As such, this alteration is interpreted as a disease-causing mutation.

Labcorp Genetics (formerly Invitae), Labcorp
Classification: Pathogenic for Hereditary nonpolyposis colorectal neoplasms. Last evaluated: 2024-12-23. Review status: criteria provided, single submitter. Criteria: Invitae Variant Classification Sherloc (09022015). Collection method: clinical testing. Allele origin: germline.
Comment: This sequence change creates a premature translational stop signal (p.Gln160*) in the MSH6 gene. It is expected to result in an absent or disrupted protein product. Loss-of-function variants in MSH6 are known to be pathogenic (PMID: 18269114, 24362816). This variant is not present in population databases (gnomAD no frequency). This premature translational stop signal has been observed in individual(s) with glioblastoma multiforme, a clinical feature of constitutional mismatch repair deficiency syndrome, in the homozygous state (PMID: 25740784). It has also been observed to segregate with disease in related individuals. ClinVar contains an entry for this variant (Variation ID: 428293). For these reasons, this variant has been classified as Pathogenic.

Myriad Genetics, Inc.
Classification: Pathogenic for Lynch syndrome 5. Last evaluated: 2023-08-10. Review status: criteria provided, single submitter. Criteria: Myriad Autosomal Dominant, Autosomal Recessive and X-Linked Classification Criteria (2023). Collection method: clinical testing. Allele origin: unknown.
Comment: This variant is considered pathogenic. This variant creates a termination codon and is predicted to result in premature protein truncation.

Literature cited by the submitters: PubMed 25740784 (cited by Ambry Genetics and Labcorp Genetics (formerly Invitae), Labcorp); PubMed 18269114 (cited by Labcorp Genetics (formerly Invitae), Labcorp); PubMed 24362816 (cited by Labcorp Genetics (formerly Invitae), Labcorp).

NM_000179.3(MSH6):c.478C>T (p.Gln160Ter)

Gene: MSH6 (mutS homolog 6; plus strand). Cytogenetic location: 2p16.3.
Variant type: single nucleotide variant.
Coding change: c.478C>T on transcript NM_000179.3 (MANE Select); coding-DNA position 478, C replaced by T.
Protein change: p.Gln160Ter; replaces glutamine 160 with a stop codon.
Molecular consequence: nonsense. On other transcripts: 5 prime UTR variant (1), intron variant (2).
Genome position (GRCh38, 1-based): chr2:47,795,914, C>T. VCF-style: chr2-47795914-C-T. GRCh37 (hg19) VCF-style: chr2-48023053-C-T.
Other names: c.-425C>T (NM_001281494.2); c.-279-2697C>T (NM_001281493.2); c.238-2697C>T (NM_001281492.2); short protein forms Q160*.
Identifiers: ClinVar variation 428293 (VCV000428293.16), dbSNP rs1114167692, ClinGen allele CA346738597.
Genomic context (GRCh38, chr2:47,795,914, plus strand): 5'-GCACCCGGCCCTTATTGTTTATAAATACATTTCTTTCTAGGTTCAAAATCAAAGGAAGCC[C>T]AGAAGGGAGGTCATTTTTACAGTGCAAAGCCTGAAATACTGAGAGCAATGCAACGTGCAG-3'